The following is an entry in ClinVar:

NM_004448.4(ERBB2):c.2431C>T (p.Arg811Trp)

Gene: ERBB2 (erb-b2 receptor tyrosine kinase 2; plus strand). Cytogenetic location: 17q12.
Variant type: single nucleotide variant.
Coding change: c.2431C>T on transcript NM_004448.4 (MANE Select); coding-DNA position 2431, C replaced by T.
Protein change: p.Arg811Trp; replaces arginine 811 with tryptophan.
Molecular consequence: missense variant. On other transcripts: non-coding transcript variant (1), intron variant (2).
Genome position (GRCh38, 1-based): chr17:39,724,849, C>T. VCF-style: chr17-39724849-C-T. GRCh37 (hg19) VCF-style: chr17-37881102-C-T.
Other names: c.2341C>T, p.Arg781Trp (NM_001005862.3, NM_001382782.1, NM_001382783.1); c.2386C>T, p.Arg796Trp (NM_001289936.2); c.2431C>T, p.Arg811Trp (NM_001289937.2, NM_001382796.1, NM_001382798.1); c.2548C>T, p.Arg850Trp (NM_001382784.1); c.2533C>T, p.Arg845Trp (NM_001382785.1); c.2512C>T, p.Arg838Trp (NM_001382786.1); c.2506C>T, p.Arg836Trp (NM_001382787.1); c.2461C>T, p.Arg821Trp (NM_001382788.1); and 13 more; short protein forms R465W, R535W, R725W, R751W, R778W, R781W, R795W, R796W.
Identifiers: ClinVar variation 1060583 (VCV001060583.9), dbSNP rs748416534, ClinGen allele CA8534296.
Genomic context (GRCh38, chr17:39,724,849, plus strand): 5'-ACATCCACGGTGCAGCTGGTGACACAGCTTATGCCCTATGGCTGCCTCTTAGACCATGTC[C>T]GGGAAAACCGCGGACGCCTGGGCTCCCAGGACCTGCTGAACTGGTGTATGCAGATTGCCA-3'
Protein context (NP_004439.2, residues 801-821): MPYGCLLDHV[Arg811Trp]ENRGRLGSQD

ClinVar aggregate classification (germline): Uncertain significance (1 of 4 stars; one submission).

Allele frequency attached by ClinVar (database versions not stated): gnomAD 0.00001; gnomAD exomes 0.00001; TOPMed 0.00001; ExAC 0.00002.
gnomAD v4.1: 10 of 1,614,080 alleles (0.00062%); highest among the groups gnomAD compares: African/African-American, 0.004%; no homozygotes.

Submission:

Labcorp Genetics (formerly Invitae), Labcorp
Classification: Uncertain significance. Last evaluated: 2024-08-07. Review status: criteria provided, single submitter. Criteria: Invitae Variant Classification Sherloc (09022015). Collection method: clinical testing. Allele origin: germline.
Comment: This sequence change replaces arginine, which is basic and polar, with tryptophan, which is neutral and slightly polar, at codon 811 of the ERBB2 protein (p.Arg811Trp). This variant is present in population databases (rs748416534, gnomAD 0.01%). This variant has not been reported in the literature in individuals affected with ERBB2-related conditions. ClinVar contains an entry for this variant (Variation ID: 1060583). Advanced modeling of protein sequence and biophysical properties (such as structural, functional, and spatial information, amino acid conservation, physicochemical variation, residue mobility, and thermodynamic stability) performed at Invitae indicates that this missense variant is not expected to disrupt ERBB2 protein function with a negative predictive value of 80%. In summary, the available evidence is currently insufficient to determine the role of this variant in disease. Therefore, it has been classified as a Variant of Uncertain Significance.